The following is an entry in ClinVar:

NM_003482.4(KMT2D):c.7814A>G (p.Tyr2605Cys)

Gene: KMT2D (lysine methyltransferase 2D; minus strand). Cytogenetic location: 12q13.12.
Variant type: single nucleotide variant.
Coding change: c.7814A>G on transcript NM_003482.4 (MANE Select); coding-DNA position 7814, A replaced by G.
Protein change: p.Tyr2605Cys; replaces tyrosine 2605 with cysteine.
Molecular consequence: missense variant.
Genome position (GRCh38, 1-based): chr12:49,039,956, T>C on the plus strand (A>G on the coding strand, the complement: KMT2D is on the minus strand). VCF-style: chr12-49039956-T-C. GRCh37 (hg19) VCF-style: chr12-49433739-T-C.
Other names: short protein forms Y2605C.
Identifiers: ClinVar variation 1804956 (VCV001804956.7), dbSNP rs1324342513, ClinGen allele CA384746773.

ClinVar aggregate classification (germline): Conflicting classifications of pathogenicity. Review status: criteria provided, conflicting classifications (1 of 4 stars). 3 submissions from 3 submitters: Uncertain significance (2); Likely benign (1). Last evaluated 2025-08-17.

Conditions:
Kabuki syndrome. Also called: NIIKAWA-KUROKI SYNDROME; Kabuki make-up syndrome. Identifiers: Orphanet 2322, MedGen C0796004, MONDO:0016512.
Kabuki syndrome 1 (KABUK1). Also called: KMT2D-Related Kabuki Syndrome. Identifiers: Orphanet 2322, MedGen CN030661, MONDO:0007843, OMIM 147920.
Inborn genetic diseases. Identifiers: MedGen C0950123, MeSH D030342.

Allele frequency attached by ClinVar (database versions not stated): gnomAD exomes below 0.00001.
gnomAD v4.1: 3 of 1,613,888 alleles (0.00019%); highest among the groups gnomAD compares: Non-Finnish European, 0.00025%; no homozygotes.

Submissions (3):

Labcorp Genetics (formerly Invitae), Labcorp
Classification: Likely benign for Kabuki syndrome. Last evaluated: 2025-08-17. Review status: criteria provided, single submitter. Criteria: Invitae Variant Classification Sherloc (09022015). Collection method: clinical testing. Allele origin: germline.

Ambry Genetics
Classification: Uncertain significance for Inborn genetic diseases. Last evaluated: 2024-03-30. Review status: criteria provided, single submitter. Criteria: Ambry Variant Classification Scheme 2023. Collection method: clinical testing. Allele origin: germline.

Victorian Clinical Genetics Services, Murdoch Childrens Research Institute
Classification: Uncertain significance for Kabuki syndrome 1. Last evaluated: 2021-05-06. Review status: criteria provided, single submitter. Criteria: ACMG Guidelines, 2015. Collection method: clinical testing. Allele origin: germline. Inheritance: Autosomal dominant inheritance. Affected: yes.
Comment: Based on the classification scheme VCGS_Germline_v1.3.4, this variant is classified as VUS-3B. Following criteria are met: 0102 - Loss of function is a known mechanism of disease in this gene and is associated with Kabuki syndrome 1 (MIM#147920). (I) 0107 - This gene is associated with autosomal dominant disease. (I) 0200 - Variant is predicted to result in a missense amino acid change from tyrosine to cysteine. (I) 0251 - This variant is heterozygous. (I) 0302 - Variant is present in gnomAD (v2) <0.001 for a dominant condition (1 heterozygote, 0 homozygotes). (SP) 0309 - An alternative amino acid change at the same position has been observed in gnomAD (v2) (1 heterozygote, 0 homozygotes). (I) 0502 - Missense variant with conflicting in silico predictions and uninformative conservation. (I) 0604 - Variant is not located in an established domain, motif, hotspot or informative constraint region. (I) 0705 - No comparable missense variants have previous evidence for pathogenicity. (I) 0807 - This variant has no previous evidence of pathogenicity. (I) 0905 - No published segregation evidence has been identified for this variant. (I) 1007 - No published functional evidence has been identified for this variant. (I) 1208 - Inheritance information for this variant is not currently available in this individual. (I) Legend: (SP) - Supporting pathogenic, (I) - Information, (SB) - Supporting benign